The following is an entry in ClinVar:

ClinVar aggregate classification (germline): Uncertain significance (1 of 4 stars; one submission).

Allele frequency attached by ClinVar (database versions not stated): gnomAD exomes below 0.00001.
gnomAD v4.1: 1 of 1,614,190 alleles (0.000062%); highest among the groups gnomAD compares: Admixed American, 0.0017%; no homozygotes.

Submission:

Labcorp Genetics (formerly Invitae), Labcorp
Classification: Uncertain significance. Last evaluated: 2022-02-10. Review status: criteria provided, single submitter. Criteria: Invitae Variant Classification Sherloc (09022015). Collection method: clinical testing. Allele origin: germline.
Comment: In summary, the available evidence is currently insufficient to determine the role of this variant in disease. Therefore, it has been classified as a Variant of Uncertain Significance. This sequence change replaces aspartic acid, which is acidic and polar, with alanine, which is neutral and non-polar, at codon 141 of the SRP72 protein (p.Asp141Ala). This variant is present in population databases (no rsID available, gnomAD 0.003%). This variant has not been reported in the literature in individuals affected with SRP72-related conditions. Algorithms developed to predict the effect of missense changes on protein structure and function are either unavailable or do not agree on the potential impact of this missense change (SIFT: "Deleterious"; PolyPhen-2: "Probably Damaging"; Align-GVGD: "Class C0").

NM_006947.4(SRP72):c.422A>C (p.Asp141Ala)

Gene: SRP72 (signal recognition particle 72; plus strand). Cytogenetic location: 4q12.
Variant type: single nucleotide variant.
Coding change: c.422A>C on transcript NM_006947.4 (MANE Select); coding-DNA position 422, A replaced by C.
Protein change: p.Asp141Ala; replaces aspartic acid 141 with alanine.
Molecular consequence: missense variant. On other transcripts: non-coding transcript variant (1).
Genome position (GRCh38, 1-based): chr4:56,474,121, A>C. VCF-style: chr4-56474121-A-C. GRCh37 (hg19) VCF-style: chr4-57340287-A-C.
Other names: c.422A>C, p.Asp141Ala (NM_001267722.2); short protein forms D141A.
Identifiers: ClinVar variation 1366229 (VCV001366229.8), dbSNP rs1182817121, ClinGen allele CA356996448.
Genomic context (GRCh38, chr4:56,474,121, plus strand): 5'-GTTTGGAACGCTATGATGAATGCTTAGCAGTGTATAGAGATCTCGTCCGAAACTCCCAAG[A>C]TGATTATGATGAGGAGAGGAAAACAAACCTTTCAGCAGTTGTTGCAGCTCAAAGCAATTG-3'
Protein context (NP_008878.3, residues 131-151): VYRDLVRNSQ[Asp141Ala]DYDEERKTNL